The following is an entry in ClinVar:

ClinVar aggregate classification (germline): Likely pathogenic (1 of 4 stars; one submission).

Submission:

CeGaT Center for Human Genetics Tuebingen
Classification: Likely pathogenic. Last evaluated: 2022-07-01. Review status: criteria provided, single submitter. Criteria: CeGaT Center For Human Genetics Tuebingen Variant Classification Criteria Version 2. Collection method: clinical testing. Allele origin: germline. Affected: yes. Observed: 1 variant allele.
Comment: GLI3: PVS1:Strong, PM2

NM_000168.6(GLI3):c.3540_3550del (p.Pro1181fs)

Gene: GLI3 (GLI family zinc finger 3; minus strand). Cytogenetic location: 7p14.1.
Variant type: Deletion.
Coding change: c.3540_3550del on transcript NM_000168.6 (MANE Select); coding-DNA positions 3540 to 3550, 11 bases deleted (GCCGCGGCCCG).
Protein change: p.Pro1181fs; shifts the reading frame from proline 1181.
Molecular consequence: frameshift variant.
Genome position (GRCh38, 1-based): chr7:41,965,523-41,965,533, CGGGCCGCGGC deleted on the plus strand (GCCGCGGCCCG on the coding strand, the reverse complement: GLI3 is on the minus strand); deleting any 11 consecutive bases within chr7:41,965,523-41,965,534 gives the same sequence; the c. name uses the placement nearest the transcript's 3' end. VCF-style (leftmost placement, unchanged base first): chr7-41965522-GCGGGCCGCGGC-G. GRCh37 (hg19) VCF-style: chr7-42005120-GCGGGCCGCGGC-G.
Other names: short protein forms P1181fs.
Identifiers: ClinVar variation 1701521 (VCV001701521.31), dbSNP rs2128705546, ClinGen allele CA2580077121.